The following is an entry in ClinVar:

NM_002471.4(MYH6):c.2461C>T (p.Arg821Trp)

Gene: MYH6 (myosin heavy chain 6; minus strand). Cytogenetic location: 14q11.2.
Variant type: single nucleotide variant.
Coding change: c.2461C>T on transcript NM_002471.4 (MANE Select); coding-DNA position 2461, C replaced by T.
Protein change: p.Arg821Trp; replaces arginine 821 with tryptophan.
Molecular consequence: missense variant.
Genome position (GRCh38, 1-based): chr14:23,394,292, G>A on the plus strand (C>T on the coding strand, the complement: MYH6 is on the minus strand). VCF-style: chr14-23394292-G-A. GRCh37 (hg19) VCF-style: chr14-23863501-G-A.
Other names: c.2461C>T (NM_002471.3); short protein forms R821W.
Identifiers: ClinVar variation 1401452 (VCV001401452.10), dbSNP rs1348126724, ClinGen allele CA389014774.

ClinVar aggregate classification (germline): Uncertain significance. Review status: criteria provided, multiple submitters, no conflicts (2 of 4 stars). 3 submissions from 3 submitters: Uncertain significance (3). Last evaluated 2025-02-27.

Conditions:
Hypertrophic cardiomyopathy 14. Identifiers: MedGen C2750467, MONDO:0013197, OMIM 613251.
Cardiovascular phenotype. Identifiers: MedGen CN230736.

Allele frequency attached by ClinVar (database versions not stated): gnomAD exomes below 0.00001; TOPMed 0.00002.
gnomAD v4.1: 6 of 1,614,186 alleles (0.00037%); highest among the groups gnomAD compares: Non-Finnish European, 0.00025%; no homozygotes.

Submissions (3):

Ambry Genetics
Classification: Uncertain significance for Cardiovascular phenotype. Last evaluated: 2025-02-27. Review status: criteria provided, single submitter. Criteria: Ambry Variant Classification Scheme 2023. Collection method: clinical testing. Allele origin: germline.
Comment: The p.R821W variant (also known as c.2461C>T), located in coding exon 19 of the MYH6 gene, results from a C to T substitution at nucleotide position 2461. The arginine at codon 821 is replaced by tryptophan, an amino acid with dissimilar properties. This amino acid position is conserved. In addition, this alteration is predicted to be deleterious by in silico analysis. Based on the available evidence, the clinical significance of this variant remains unclear.

Labcorp Genetics (formerly Invitae), Labcorp
Classification: Uncertain significance for Hypertrophic cardiomyopathy 14. Last evaluated: 2024-05-08. Review status: criteria provided, single submitter. Criteria: Invitae Variant Classification Sherloc (09022015). Collection method: clinical testing. Allele origin: germline.
Comment: This sequence change replaces arginine, which is basic and polar, with tryptophan, which is neutral and slightly polar, at codon 821 of the MYH6 protein (p.Arg821Trp). This variant is present in population databases (no rsID available, gnomAD 0.01%). This variant has not been reported in the literature in individuals affected with MYH6-related conditions. ClinVar contains an entry for this variant (Variation ID: 1401452). Advanced modeling of protein sequence and biophysical properties (such as structural, functional, and spatial information, amino acid conservation, physicochemical variation, residue mobility, and thermodynamic stability) performed at Invitae indicates that this missense variant is expected to disrupt MYH6 protein function with a positive predictive value of 80%. In summary, the available evidence is currently insufficient to determine the role of this variant in disease. Therefore, it has been classified as a Variant of Uncertain Significance.

GeneDx
Classification: Uncertain significance. Last evaluated: 2023-02-01. Review status: criteria provided, single submitter. Criteria: GeneDx Variant Classification Process June 2021. Collection method: clinical testing. Allele origin: germline. Affected: yes.
Comment: Not observed at significant frequency in large population cohorts (gnomAD); In silico analysis supports that this missense variant has a deleterious effect on protein structure/function; Has not been previously published as pathogenic or benign to our knowledge